The following is an entry in ClinVar:

NM_018474.6(KIZ):c.50dup (p.Tyr17Ter)

Genes: KIZ (kizuna centrosomal protein; plus strand), LOC130065507 (ATAC-STARR-seq lymphoblastoid silent region 12713; plus strand). Cytogenetic location: 20p11.23.
Variant type: Duplication.
Coding change: c.50dup on transcript NM_018474.6 (MANE Select); coding-DNA position 50, one base duplicated (A; older notation c.50dupA).
Protein change: p.Tyr17Ter; replaces tyrosine 17 with a stop codon.
Molecular consequence: nonsense. On other transcripts: 5 prime UTR variant (4), frameshift variant (1).
Genome position (GRCh38, 1-based): chr20:21,126,165, A duplicated. VCF-style (leftmost placement, unchanged base first): chr20-21126164-T-TA. GRCh37 (hg19) VCF-style: chr20-21106805-T-TA.
Other names: c.-97dup (NM_001163022.3, NM_001163023.3, NM_001352435.2); c.129dup, p.Arg44fs (NM_001276389.2); c.50dup, p.Tyr17Ter (NM_001352434.2); c.-337dup (NM_001352436.2); short protein forms R44fs, Y17*.
Identifiers: ClinVar variation 1072938 (VCV001072938.7), dbSNP rs2122229308, ClinGen allele CA2499225691.
Genomic context (GRCh38, chr20:21,126,164, plus strand): 5'-AGCGGCAGCAGCATGAGCCGGACCCTCGCATCGGCCGTGCCCCTGTCGAGTCCCGACTAC[T>TA]ACGAGAGGCTGGGCCAACTCCAGCACGGGCTGCGGGACAGGTAAGGGCACTGGGGCGGGG-3'

ClinVar aggregate classification (germline): Pathogenic (1 of 4 stars; one submission).

Allele frequency attached by ClinVar (database versions not stated): gnomAD exomes below 0.00001.

Submission:

Labcorp Genetics (formerly Invitae), Labcorp
Classification: Pathogenic. Last evaluated: 2022-07-12. Review status: criteria provided, single submitter. Criteria: Invitae Variant Classification Sherloc (09022015). Collection method: clinical testing. Allele origin: germline.
Comment: This sequence change creates a premature translational stop signal (p.Tyr17*) in the KIZ gene. It is expected to result in an absent or disrupted protein product. Loss-of-function variants in KIZ are known to be pathogenic (PMID: 24680887, 29057815). This variant is not present in population databases (gnomAD no frequency). This variant has not been reported in the literature in individuals affected with KIZ-related conditions. ClinVar contains an entry for this variant (Variation ID: 1072938). For these reasons, this variant has been classified as Pathogenic.

Literature cited by the submitters: PubMed 24680887; PubMed 29057815.